The following is an entry in ClinVar:

ClinVar aggregate classification (germline): Uncertain significance (1 of 4 stars; one submission).

Conditions:
SI-related disorder. Also called: SI-related condition.

gnomAD v4.1: 5 of 1,613,536 alleles (0.00031%); highest among the groups gnomAD compares: Non-Finnish European, 0.00042%; no homozygotes.

Submission:

PreventionGenetics, part of Exact Sciences
Classification: Uncertain significance for SI-related condition. Last evaluated: 2024-12-22. Review status: criteria provided, single submitter. Criteria: ACMG Guidelines, 2015. Collection method: clinical testing. Allele origin: germline.
Comment: The SI c.5060G>A variant is predicted to result in the amino acid substitution p.Gly1687Asp. To our knowledge, this variant has not been reported in the literature or in a large population database (gnomAD), indicating this variant is rare. At this time, the clinical significance of this variant is uncertain due to the absence of conclusive functional and genetic evidence.

NM_001041.4(SI):c.5060G>A (p.Gly1687Asp)

Gene: SI (sucrase-isomaltase; minus strand). Cytogenetic location: 3q26.1.
Variant type: single nucleotide variant.
Coding change: c.5060G>A on transcript NM_001041.4 (MANE Select); coding-DNA position 5060, G replaced by A.
Protein change: p.Gly1687Asp; replaces glycine 1687 with aspartic acid.
Molecular consequence: missense variant.
Genome position (GRCh38, 1-based): chr3:164,991,401, C>T on the plus strand (G>A on the coding strand, the complement: SI is on the minus strand). VCF-style: chr3-164991401-C-T. GRCh37 (hg19) VCF-style: chr3-164709189-C-T.
Other names: short protein forms G1687D.
Identifiers: ClinVar variation 4999018 (VCV004999018.1).
Genomic context (GRCh38, chr3:164,991,401, plus strand): 5'-CAGTTCACTTACCTGTAAAATGTGTTTTGAGCTGGCTCTTGACATGGTAGGATGTGACCA[C>T]CACGGACATGTAGGTTTATTGTGTCATAAGAAGCATTAAATGTTTGAAATTGTCCTCTGA-3'
Protein context (NP_001032.2, residues 1677-1697): SYDTINLHVR[Gly1687Asp]GHILPCQEPA